The following is an entry in ClinVar:

ClinVar aggregate classification (germline): Benign. Review status: criteria provided, multiple submitters, no conflicts (2 of 4 stars). 2 submissions from 2 submitters: Benign (2). Last evaluated 2018-03-06.

Conditions:
Tryptophan 5-monooxygenase deficiency. Identifiers: MedGen CN120491.

Allele frequency attached by ClinVar (database versions not stated): 1000 Genomes Project 30x 0.54091; 1000 Genomes Project 0.54173; ExAC 0.56466; gnomAD exomes 0.56947; TOPMed 0.57939; ESP Exome Variant Server 0.58189.
gnomAD v4.1: 920,002 of 1,613,674 alleles (57%); highest among the groups gnomAD compares: African/African-American, 60%; 263,420 homozygotes.

Submissions (2):

Illumina Laboratory Services, Illumina
Classification: Benign for Tryptophan 5-monooxygenase deficiency. Last evaluated: 2018-03-06. Review status: criteria provided, single submitter. Criteria: ICSL Variant Classification Criteria 13 December 2019. Collection method: clinical testing. Allele origin: germline.
Comment: This variant was observed in the ICSL laboratory as part of a predisposition screen in an ostensibly healthy population. It had not been previously curated by ICSL or reported in the Human Gene Mutation Database (HGMD: prior to June 1st, 2018), and was therefore a candidate for classification through an automated scoring system. Utilizing variant allele frequency, disease prevalence and penetrance estimates, and inheritance mode, an automated score was calculated to assess if this variant is too frequent to cause the disease. Based on the score and internal cut-off values, a variant classified as benign is not then subjected to further curation. The score for this variant resulted in a classification of benign for this disease.

Breakthrough Genomics
Classification: Benign. Review status: criteria provided, single submitter. Criteria: ACMG Guidelines, 2015. Collection method: not provided. Allele origin: germline. Inheritance: Unknown mechanism. Affected: yes.

NM_173353.4(TPH2):c.936A>G (p.Pro312=)

Gene: TPH2 (tryptophan hydroxylase 2; plus strand). Cytogenetic location: 12q21.1.
Variant type: single nucleotide variant.
Coding change: c.936A>G on transcript NM_173353.4 (MANE Select); coding-DNA position 936, A replaced by G.
Protein change: p.Pro312=; no amino-acid change (proline 312 retained).
Molecular consequence: synonymous variant.
Genome position (GRCh38, 1-based): chr12:71,979,082, A>G. VCF-style: chr12-71979082-A-G. GRCh37 (hg19) VCF-style: chr12-72372862-A-G.
Identifiers: ClinVar variation 310386 (VCV000310386.6), dbSNP rs7305115, ClinGen allele CA6689928.